The following is an entry in ClinVar:

ClinVar aggregate classification (germline): Uncertain significance (1 of 4 stars; one submission).

Allele frequency attached by ClinVar (database versions not stated): ExAC 0.00001; gnomAD exomes 0.00002; TOPMed 0.00003; gnomAD 0.00004.
gnomAD v4.1: 43 of 1,608,592 alleles (0.0027%); highest among the groups gnomAD compares: Admixed American, 0.0067%; no homozygotes.

Submission:

Labcorp Genetics (formerly Invitae), Labcorp
Classification: Uncertain significance. Last evaluated: 2025-07-07. Review status: criteria provided, single submitter. Criteria: Invitae Variant Classification Sherloc (09022015). Collection method: clinical testing. Allele origin: germline.
Comment: This sequence change replaces alanine, which is neutral and non-polar, with valine, which is neutral and non-polar, at codon 17 of the TNFRSF6B protein (p.Ala17Val). The frequency data for this variant in the population databases is considered unreliable, as metrics indicate poor data quality at this position in the gnomAD database. This variant has not been reported in the literature in individuals affected with TNFRSF6B-related conditions. ClinVar contains an entry for this variant (Variation ID: 1989895). An algorithm developed to predict the effect of missense changes on protein structure and function outputs the following: PolyPhen-2: "Not Available". The valine amino acid residue is found in multiple mammalian species, which suggests that this missense change does not adversely affect protein function. In summary, the available evidence is currently insufficient to determine the role of this variant in disease. Therefore, it has been classified as a Variant of Uncertain Significance.

NM_003823.4(TNFRSF6B):c.50C>T (p.Ala17Val)

Genes: RTEL1-TNFRSF6B (RTEL1-TNFRSF6B readthrough (NMD candidate); plus strand), TNFRSF6B (TNF receptor superfamily member 6b; plus strand). Cytogenetic location: 20q13.33.
Variant type: single nucleotide variant.
Coding change: c.50C>T on transcript NM_003823.4 (MANE Select); coding-DNA position 50, C replaced by T.
Protein change: p.Ala17Val; replaces alanine 17 with valine.
Molecular consequence: missense variant. On other transcripts: non-coding transcript variant (1).
Genome position (GRCh38, 1-based): chr20:63,696,817, C>T. VCF-style: chr20-63696817-C-T. GRCh37 (hg19) VCF-style: chr20-62328170-C-T.
Other names: short protein forms A17V.
Identifiers: ClinVar variation 1989895 (VCV001989895.4), dbSNP rs760554622, ClinGen allele CA9966291.